The following is an entry in ClinVar:

ClinVar aggregate classification (germline): Uncertain significance. Review status: criteria provided, single submitter (1 of 4 stars). 2 submissions from 2 submitters: Uncertain significance (1). 1 of the submissions does not count toward it. Last evaluated 2021-01-14.

Conditions:
NLGN4X-related disorder. Also called: NLGN4X-related condition.

Allele frequency attached by ClinVar (database versions not stated): gnomAD 0.00001; ESP Exome Variant Server 0.00009.

Submissions (2):

GeneDx
Classification: Uncertain significance. Last evaluated: 2021-01-14. Review status: criteria provided, single submitter. Criteria: GeneDx Variant Classification Process June 2021. Collection method: clinical testing. Allele origin: germline. Affected: yes.
Comment: Not observed in large population cohorts (Lek et al., 2016); In silico analysis supports that this missense variant has a deleterious effect on protein structure/function; Has not been previously published as pathogenic or benign to our knowledge

PreventionGenetics, part of Exact Sciences
Classification: Uncertain significance for NLGN4X-related condition. Last evaluated: 2024-03-29. Review status: no assertion criteria provided. Collection method: clinical testing. Allele origin: germline. Not counted in ClinVar's aggregate classification.
Comment: The NLGN4X c.665A>G variant is predicted to result in the amino acid substitution p.Tyr222Cys. To our knowledge, this variant has not been reported in the literature or in a large population database, indicating this variant is rare. At this time, the clinical significance of this variant is uncertain due to the absence of conclusive functional and genetic evidence.

NM_181332.3(NLGN4X):c.665A>G (p.Tyr222Cys)

Gene: NLGN4X (neuroligin 4 X-linked; minus strand). Cytogenetic location: Xp22.32.
Variant type: single nucleotide variant.
Coding change: c.665A>G on transcript NM_181332.3 (MANE Select); coding-DNA position 665, A replaced by G.
Protein change: p.Tyr222Cys; replaces tyrosine 222 with cysteine.
Molecular consequence: missense variant.
Genome position (GRCh38, 1-based): chrX:5,909,200, T>C on the plus strand (A>G on the coding strand, the complement: NLGN4X is on the minus strand). VCF-style: chrX-5909200-T-C. GRCh37 (hg19) VCF-style: chrX-5827241-T-C.
Other names: c.665A>G, p.Tyr222Cys (NM_001282145.2, NM_001282146.2, NM_020742.4); c.665A>G (NM_020742.3); short protein forms Y222C.
Identifiers: ClinVar variation 1314043 (VCV001314043.3), dbSNP rs370784839, ClinGen allele CA326310268.